The following is an entry in ClinVar:

ClinVar aggregate classification (germline): Uncertain significance (1 of 4 stars; one submission).

Conditions:
Temtamy syndrome (TEMTYS). Also called: MENTAL RETARDATION WITH OR WITHOUT CRANIOFACIAL DYSMORPHISM, OCULAR COLOBOMA, OR ABNORMAL CORPUS CALLOSUM. Identifiers: Orphanet 1777, MedGen C1857512, MONDO:0009033, OMIM 218340.

Submission:

Baylor Genetics
Classification: Uncertain significance for Temtamy syndrome. Last evaluated: 2018-01-26. Review status: criteria provided, single submitter. Criteria: ACMG Guidelines, 2015. Collection method: clinical testing. Allele origin: unknown. Affected: yes.
Comment: This variant was determined to be of uncertain significance according to ACMG Guidelines, 2015 [PMID:25741868].

NM_138425.4(C12orf57):c.284T>A (p.Ile95Asn)

Gene: C12orf57 (chromosome 12 open reading frame 57; plus strand). Cytogenetic location: 12p13.31.
Variant type: single nucleotide variant.
Coding change: c.284T>A on transcript NM_138425.4 (MANE Select); coding-DNA position 284, T replaced by A.
Protein change: p.Ile95Asn; replaces isoleucine 95 with asparagine.
Molecular consequence: missense variant. On other transcripts: non-coding transcript variant (1).
Genome position (GRCh38, 1-based): chr12:6,945,825, T>A. VCF-style: chr12-6945825-T-A. GRCh37 (hg19) VCF-style: chr12-7054988-T-A.
Other names: c.284T>A, p.Ile95Asn (NM_001301834.1); c.245T>A, p.Ile82Asn (NM_001301836.2); c.197T>A, p.Ile66Asn (NM_001301837.2); c.179T>A, p.Ile60Asn (NM_001301838.2); short protein forms I95N, I60N, I82N, I66N.
Identifiers: ClinVar variation 1033080 (VCV001033080.1), dbSNP rs1945791819, ClinGen allele CA383745864.